The following is an entry in ClinVar:

NM_024577.4(SH3TC2):c.182G>A (p.Arg61His)

Gene: SH3TC2 (SH3 domain and tetratricopeptide repeats 2; minus strand). Cytogenetic location: 5q32.
Variant type: single nucleotide variant.
Coding change: c.182G>A on transcript NM_024577.4 (MANE Select); coding-DNA position 182, G replaced by A.
Protein change: p.Arg61His; replaces arginine 61 with histidine.
Molecular consequence: missense variant.
Genome position (GRCh38, 1-based): chr5:149,047,959, C>T on the plus strand (G>A on the coding strand, the complement: SH3TC2 is on the minus strand). VCF-style: chr5-149047959-C-T. GRCh37 (hg19) VCF-style: chr5-148427522-C-T.
Other names: short protein forms R61H.
Identifiers: ClinVar variation 940738 (VCV000940738.14), dbSNP rs376389928, ClinGen allele CA3499601.

ClinVar aggregate classification (germline): Conflicting classifications of pathogenicity. Review status: criteria provided, conflicting classifications (1 of 4 stars). 4 submissions from 4 submitters: Uncertain significance (3); Likely benign (1). Last evaluated 2026-09-08.

Conditions:
SH3TC2-related disorder. Also called: SH3TC2-related condition; SH3TC2-related disorders. Identifiers: MedGen CN239303.
Charcot-Marie-Tooth disease type 4. Also called: Charcot-Marie-Tooth disease, type IV; Charcot-Marie-Tooth, Type 4. Identifiers: Orphanet 64749, MedGen C4082197, MONDO:0018995.
Inborn genetic diseases. Identifiers: MedGen C0950123, MeSH D030342.

Allele frequency attached by ClinVar (database versions not stated): gnomAD 0.00001 and 0.00003; TOPMed 0.00005; gnomAD exomes 0.00006; ESP Exome Variant Server 0.00008; ExAC 0.00012; 1000 Genomes Project 30x 0.00016; 1000 Genomes Project 0.00020.
gnomAD v4.1: 40 of 1,614,074 alleles (0.0025%); highest among the groups gnomAD compares: South Asian, 0.019%; 1 homozygote.

Submissions (4):

PreventionGenetics, part of Exact Sciences
Classification: Uncertain significance for SH3TC2-related condition. Last evaluated: 2026-09-08. Review status: criteria provided, single submitter. Criteria: ACMG Guidelines, 2015. Collection method: clinical testing. Allele origin: germline.
Comment: The SH3TC2 c.182G>A variant is predicted to result in the amino acid substitution p.Arg61His. To our knowledge, this variant has not been reported in the literature. This variant is reported in 0.036% of alleles in individuals of South Asian descent in gnomAD. At this time, the clinical significance of this variant is uncertain due to the absence of conclusive functional and genetic evidence.

CeGaT Center for Human Genetics Tuebingen
Classification: Uncertain significance. Last evaluated: 2026-08-01. Review status: criteria provided, single submitter. Criteria: CeGaT Center For Human Genetics Tuebingen Variant Classification Criteria Version 2. Collection method: clinical testing. Allele origin: germline. Affected: yes. Observed: 1 variant allele.

Labcorp Genetics (formerly Invitae), Labcorp
Classification: Likely benign for Charcot-Marie-Tooth disease type 4. Last evaluated: 2025-04-17. Review status: criteria provided, single submitter. Criteria: Invitae Variant Classification Sherloc (09022015). Collection method: clinical testing. Allele origin: germline.

Ambry Genetics
Classification: Uncertain significance for Inborn genetic diseases. Last evaluated: 2024-07-10. Review status: criteria provided, single submitter. Criteria: Ambry Variant Classification Scheme 2023. Collection method: clinical testing. Allele origin: germline.